The following is an entry in ClinVar:

NM_002382.5(MAX):c.268C>T (p.Arg90Trp)

Gene: MAX (MYC associated transcriptional regulator X; minus strand). Cytogenetic location: 14q23.3.
Variant type: single nucleotide variant.
Coding change: c.268C>T on transcript NM_002382.5 (MANE Select); coding-DNA position 268, C replaced by T.
Protein change: p.Arg90Trp; replaces arginine 90 with tryptophan.
Molecular consequence: missense variant. On other transcripts: 5 prime UTR variant (1), intron variant (2).
Genome position (GRCh38, 1-based): chr14:65,077,940, G>A on the plus strand (C>T on the coding strand, the complement: MAX is on the minus strand). VCF-style: chr14-65077940-G-A. GRCh37 (hg19) VCF-style: chr14-65544658-G-A.
Other names: c.-7C>T (NM_001320415.2, NM_001407105.1, NM_001407106.1 and 1 more transcripts); c.268C>T, p.Arg90Trp (NM_001407094.1, NM_001407096.1, NM_001407097.1 and 3 more transcripts); c.241C>T, p.Arg81Trp (NM_001407095.1, NM_001407099.1, NM_001407100.1 and 6 more transcripts); c.160C>T, p.Arg54Trp (NM_001407098.1); c.-100C>T (NM_001407111.1, NM_001407112.1); c.144+15768C>T (NM_001271069.2); c.171+15768C>T (NM_197957.4); short protein forms R90W, R81W, R54W.
Identifiers: ClinVar variation 404105 (VCV000404105.9), dbSNP rs1060500099, ClinGen allele CA16614203.
Genomic context (GRCh38, chr14:65,077,940, plus strand): 5'-AGGGCCAGCTGCCCCACGAGCTCGGGTGCTCACCTTGCTGCTCCAGAAGAGCATTCTGCC[G>A]CTTGAGGTCGTCAATATCTTGCTGGTGTGTGTGGTTTTTCCTTCGCATATACTGGATATA-3'
Protein context (NP_002373.3, residues 80-100): THQQDIDDLK[Arg90Trp]QNALLEQQVR

ClinVar aggregate classification (germline): Uncertain significance. Review status: criteria provided, multiple submitters, no conflicts (2 of 4 stars). 2 submissions from 2 submitters: Uncertain significance (2). Last evaluated 2025-09-03.

Conditions:
Hereditary cancer-predisposing syndrome. Also called: Tumor predisposition; Hereditary Cancer Syndrome; Neoplastic Syndromes, Hereditary; Hereditary neoplastic syndrome. Identifiers: Orphanet 140162, MedGen C0027672, MeSH D009386, MONDO:0015356.
Hereditary pheochromocytoma and paraganglioma. Also called: Hereditary Paraganglioma-Pheochromocytoma Syndromes; Hereditary paragangliomas and pheochromocytomas; Hereditary pheochromocytoma-paraganglioma. Identifiers: Orphanet 29072, MedGen C4274332, MONDO:0017366.

gnomAD v4.1: 2 of 1,614,196 alleles (0.00012%); highest among the groups gnomAD compares: Middle Eastern, 0.016%; no homozygotes.

Submissions (2):

Labcorp Genetics (formerly Invitae), Labcorp
Classification: Uncertain significance for Hereditary pheochromocytoma and paraganglioma. Last evaluated: 2025-09-03. Review status: criteria provided, single submitter. Criteria: Invitae Variant Classification Sherloc (09022015). Collection method: clinical testing. Allele origin: germline.
Comment: This sequence change replaces arginine, which is basic and polar, with tryptophan, which is neutral and slightly polar, at codon 90 of the MAX protein (p.Arg90Trp). This variant is not present in population databases (gnomAD no frequency). This variant has not been reported in the literature in individuals affected with MAX-related conditions. ClinVar contains an entry for this variant (Variation ID: 404105). Invitae Evidence Modeling incorporating data from in vitro experimental studies (internal data) indicates that this missense variant is not expected to disrupt MAX function with a negative predictive value of 95%. In summary, the available evidence is currently insufficient to determine the role of this variant in disease. Therefore, it has been classified as a Variant of Uncertain Significance.

Ambry Genetics
Classification: Uncertain significance for Hereditary cancer-predisposing syndrome. Last evaluated: 2024-06-17. Review status: criteria provided, single submitter. Criteria: Ambry Variant Classification Scheme 2023. Collection method: clinical testing. Allele origin: germline.
Comment: The p.R90W variant (also known as c.268C>T), located in coding exon 4 of the MAX gene, results from a C to T substitution at nucleotide position 268. The arginine at codon 90 is replaced by tryptophan, an amino acid with dissimilar properties. This amino acid position is highly conserved in available vertebrate species. In addition, this alteration is predicted to be deleterious by in silico analysis. Based on the available evidence, the clinical significance of this variant remains unclear.